The following is an entry in ClinVar:

NM_005202.4(COL8A2):c.565G>C (p.Glu189Gln)

Gene: COL8A2 (collagen type VIII alpha 2 chain; minus strand). Cytogenetic location: 1p34.3.
Variant type: single nucleotide variant.
Coding change: c.565G>C on transcript NM_005202.4 (MANE Select); coding-DNA position 565, G replaced by C.
Protein change: p.Glu189Gln; replaces glutamic acid 189 with glutamine.
Molecular consequence: missense variant.
Genome position (GRCh38, 1-based): chr1:36,099,116, C>G on the plus strand (G>C on the coding strand, the complement: COL8A2 is on the minus strand). VCF-style: chr1-36099116-C-G. GRCh37 (hg19) VCF-style: chr1-36564717-C-G.
Other names: c.370G>C, p.Glu124Gln (NM_001294347.2); short protein forms E124Q, E189Q.
Identifiers: ClinVar variation 2119471 (VCV002119471.4), dbSNP rs776813844, ClinGen allele CA765094.

ClinVar aggregate classification (germline): Uncertain significance (1 of 4 stars; one submission).

Allele frequency attached by ClinVar (database versions not stated): ExAC 0.00002; gnomAD exomes below 0.00001.

Submission:

Labcorp Genetics (formerly Invitae), Labcorp
Classification: Uncertain significance. Last evaluated: 2022-11-08. Review status: criteria provided, single submitter. Criteria: Invitae Variant Classification Sherloc (09022015). Collection method: clinical testing. Allele origin: germline.
Comment: In summary, the available evidence is currently insufficient to determine the role of this variant in disease. Therefore, it has been classified as a Variant of Uncertain Significance. Algorithms developed to predict the effect of missense changes on protein structure and function are either unavailable or do not agree on the potential impact of this missense change (SIFT: "Deleterious"; PolyPhen-2: "Not Available"; Align-GVGD: "Class C0"). This variant has not been reported in the literature in individuals affected with COL8A2-related conditions. This variant is not present in population databases (gnomAD no frequency). This sequence change replaces glutamic acid, which is acidic and polar, with glutamine, which is neutral and polar, at codon 189 of the COL8A2 protein (p.Glu189Gln).